The following is an entry in ClinVar:

ClinVar aggregate classification (germline): Uncertain significance (1 of 4 stars; one submission).

Submission:

Labcorp Genetics (formerly Invitae), Labcorp
Classification: Uncertain significance. Last evaluated: 2025-02-10. Review status: criteria provided, single submitter. Criteria: Invitae Variant Classification Sherloc (09022015). Collection method: clinical testing. Allele origin: germline.
Comment: This sequence change replaces serine, which is neutral and polar, with alanine, which is neutral and non-polar, at codon 486 of the SOX6 protein (p.Ser486Ala). This variant is not present in population databases (gnomAD no frequency). This variant has not been reported in the literature in individuals affected with SOX6-related conditions. An algorithm developed to predict the effect of missense changes on protein structure and function (PolyPhen-2) suggests that this variant is likely to be tolerated. In summary, the available evidence is currently insufficient to determine the role of this variant in disease. Therefore, it has been classified as a Variant of Uncertain Significance.

NM_001367873.1(SOX6):c.1456T>G (p.Ser486Ala)

Gene: SOX6 (SRY-box transcription factor 6; minus strand). Cytogenetic location: 11p15.2.
Variant type: single nucleotide variant.
Coding change: c.1456T>G on transcript NM_001367873.1 (MANE Select); coding-DNA position 1456, T replaced by G.
Protein change: p.Ser486Ala; replaces serine 486 with alanine.
Molecular consequence: missense variant.
Genome position (GRCh38, 1-based): chr11:16,046,681, A>C on the plus strand (T>G on the coding strand, the complement: SOX6 is on the minus strand). VCF-style: chr11-16046681-A-C. GRCh37 (hg19) VCF-style: chr11-16068227-A-C.
Other names: c.1375T>G, p.Ser459Ala (NM_001145811.2, NM_017508.3); c.1456T>G, p.Ser486Ala (NM_001145819.2, NM_033326.3); c.1333T>G, p.Ser445Ala (NM_001367872.1); short protein forms S486A, S445A, S459A.
Identifiers: ClinVar variation 4712283 (VCV004712283.1).